The following is an entry in ClinVar:

ClinVar aggregate classification (germline): Uncertain significance. Review status: criteria provided, multiple submitters, no conflicts (2 of 4 stars). 4 submissions from 4 submitters: Uncertain significance (4). Last evaluated 2025-07-25.

Conditions:
Hereditary cancer-predisposing syndrome. Also called: Tumor predisposition; Hereditary Cancer Syndrome; Hereditary neoplastic syndrome; Neoplastic Syndromes, Hereditary. Identifiers: Orphanet 140162, MedGen C0027672, MeSH D009386, MONDO:0015356.
Familial adenomatous polyposis 1 (FAP1). Also called: FAMILIAL ADENOMATOUS POLYPOSIS 1, ATTENUATED; POLYPOSIS, ADENOMATOUS INTESTINAL. Identifiers: MedGen C2713442, MONDO:0021056, OMIM 175100. Disease mechanism: loss of function.

Submissions (4):

Ambry Genetics
Classification: Uncertain significance for Hereditary cancer-predisposing syndrome. Last evaluated: 2025-07-25. Review status: criteria provided, single submitter. Criteria: Ambry Variant Classification Scheme 2023. Collection method: clinical testing. Allele origin: germline.
Comment: The p.P2622A variant (also known as c.7864C>G), located in coding exon 15 of the APC gene, results from a C to G substitution at nucleotide position 7864. The proline at codon 2622 is replaced by alanine, an amino acid with highly similar properties. This amino acid position is not well conserved in available vertebrate species. In addition, in silico predictors for this gene do not accurately predict pathogenicity. Missense alterations in APC are not a common cause of disease (Spier I et al. Genet Med. 2024 Feb;26(2):100992). Based on the available evidence, the clinical significance of this variant remains unclear.

Color Diagnostics, LLC DBA Color Health
Classification: Uncertain significance for Hereditary cancer-predisposing syndrome. Last evaluated: 2025-05-31. Review status: criteria provided, single submitter. Criteria: ACMG Guidelines, 2015. Collection method: clinical testing. Allele origin: germline.
Comment: This missense variant replaces proline with alanine at codon 2622 of the APC protein. Computational prediction suggests that this variant may not impact protein structure and function. To our knowledge, functional studies have not been reported for this variant. This variant has not been reported in individuals affected with APC-related disorders in the literature. This variant has not been identified in the general population by the Genome Aggregation Database (gnomAD). The available evidence is insufficient to determine the role of this variant in disease conclusively. Therefore, this variant is classified as a Variant of Uncertain Significance.

Labcorp Genetics (formerly Invitae), Labcorp
Classification: Uncertain significance for Familial adenomatous polyposis 1. Last evaluated: 2024-08-04. Review status: criteria provided, single submitter. Criteria: Invitae Variant Classification Sherloc (09022015). Collection method: clinical testing. Allele origin: germline.
Comment: This sequence change replaces proline, which is neutral and non-polar, with alanine, which is neutral and non-polar, at codon 2622 of the APC protein (p.Pro2622Ala). This variant is not present in population databases (gnomAD no frequency). This variant has not been reported in the literature in individuals affected with APC-related conditions. ClinVar contains an entry for this variant (Variation ID: 411484). Advanced modeling of protein sequence and biophysical properties (such as structural, functional, and spatial information, amino acid conservation, physicochemical variation, residue mobility, and thermodynamic stability) performed at Invitae indicates that this missense variant is not expected to disrupt APC protein function with a negative predictive value of 95%. In summary, the available evidence is currently insufficient to determine the role of this variant in disease. Therefore, it has been classified as a Variant of Uncertain Significance.

Baylor Genetics
Classification: Uncertain significance for Familial adenomatous polyposis 1. Last evaluated: 2023-08-27. Review status: criteria provided, single submitter. Criteria: ACMG Guidelines, 2015. Collection method: clinical testing. Allele origin: unknown.

NM_000038.6(APC):c.7864C>G (p.Pro2622Ala)

Gene: APC (APC regulator of Wnt signaling pathway; plus strand). Cytogenetic location: 5q22.2.
Variant type: single nucleotide variant.
Coding change: c.7864C>G on transcript NM_000038.6 (MANE Select); coding-DNA position 7864, C replaced by G.
Protein change: p.Pro2622Ala; replaces proline 2622 with alanine.
Molecular consequence: missense variant.
Genome position (GRCh38, 1-based): chr5:112,843,458, C>G. VCF-style: chr5-112843458-C-G. GRCh37 (hg19) VCF-style: chr5-112179155-C-G.
Other names: c.7864C>G, p.Pro2622Ala (NM_001127510.3, NM_001354895.2); c.7810C>G, p.Pro2604Ala (NM_001127511.3); c.7918C>G, p.Pro2640Ala (NM_001354896.2); c.7894C>G, p.Pro2632Ala (NM_001354897.2); c.7789C>G, p.Pro2597Ala (NM_001354898.2); c.7780C>G, p.Pro2594Ala (NM_001354899.2); c.7741C>G, p.Pro2581Ala (NM_001354900.2); c.7687C>G, p.Pro2563Ala (NM_001354901.2); and 5 more; short protein forms P2604A, P2622A, P2521A, P2563A, P2581A, P2339A, P2462A, P2594A.
Identifiers: ClinVar variation 411484 (VCV000411484.15), dbSNP rs1060503330, ClinGen allele CA16038420.
Genomic context (GRCh38, chr5:112,843,458, plus strand): 5'-AAAGAAAACCAAGTATCCGCAAAAGGAACATGGAGAAAAATAAAAGAAAATGAATTTTCT[C>G]CCACAAATAGTACTTCTCAGACCGTTTCCTCAGGTGCTACAAATGGTGCTGAATCAAAGA-3'
Protein context (NP_000029.2, residues 2612-2632): WRKIKENEFS[Pro2622Ala]TNSTSQTVSS